The following is an entry in ClinVar:

ClinVar aggregate classification (germline): Likely benign (1 of 4 stars; one submission).

gnomAD v4.1: 5 of 985,469 alleles (0.00051%); highest among the groups gnomAD compares: Non-Finnish European, 0.00051%; no homozygotes.

Submission:

GeneDx
Classification: Likely benign. Last evaluated: 2017-11-22. Review status: criteria provided, single submitter. Criteria: GeneDx Variant Classification (06012015). Collection method: clinical testing. Allele origin: germline. Affected: yes.
Comment: This variant is considered likely benign or benign based on one or more of the following criteria: it is a conservative change, it occurs at a poorly conserved position in the protein, it is predicted to be benign by multiple in silico algorithms, and/or has population frequency not consistent with disease.

NM_002641.4(PIGA):c.-63+17C>T

Gene: PIGA (phosphatidylinositol glycan anchor biosynthesis class A; minus strand). Cytogenetic location: Xp22.2.
Variant type: single nucleotide variant.
Coding change: c.-63+17C>T on transcript NM_002641.4 (MANE Select); 17 bases into the intron after 63 bases upstream of the start codon, C replaced by T.
Molecular consequence: intron variant.
Genome position (GRCh38, 1-based): chrX:15,335,484, G>A on the plus strand (C>T on the coding strand, the complement: PIGA is on the minus strand). VCF-style: chrX-15335484-G-A. GRCh37 (hg19) VCF-style: chrX-15353606-G-A.
Other names: c.13+17C>T (NM_020473.3).
Identifiers: ClinVar variation 513555 (VCV000513555.1), dbSNP rs1555946148, ClinGen allele CA658799617.